The following is an entry in ClinVar:

NM_025137.4(SPG11):c.4030G>C (p.Ala1344Pro)

Gene: SPG11 (SPG11 vesicle trafficking associated, spatacsin; minus strand). Cytogenetic location: 15q21.1.
Variant type: single nucleotide variant.
Coding change: c.4030G>C on transcript NM_025137.4 (MANE Select); coding-DNA position 4030, G replaced by C.
Protein change: p.Ala1344Pro; replaces alanine 1344 with proline.
Molecular consequence: missense variant.
Genome position (GRCh38, 1-based): chr15:44,596,915, C>G on the plus strand (G>C on the coding strand, the complement: SPG11 is on the minus strand). VCF-style: chr15-44596915-C-G. GRCh37 (hg19) VCF-style: chr15-44889113-C-G.
Other names: c.4030G>C, p.Ala1344Pro (NM_001160227.2, NM_001411132.1); short protein forms A1344P.
Identifiers: ClinVar variation 1737208 (VCV001737208.2), dbSNP rs2083058421, ClinGen allele CA392229241.
Genomic context (GRCh38, chr15:44,596,915, plus strand): 5'-CTCTAAGGTAAGATATGCTTAGTTTCATATTGTGTAGCCTGCAGAACTGCACCACTAATG[C>G]CCATTGGCTGCTAGATTCACTGGATAACCTATAATCAGAATTAGAGGTGGGGGTGGTCAA-3'
Protein context (NP_079413.3, residues 1334-1354): RLSSESSSQW[Ala1344Pro]LVVQFCRLHN

ClinVar aggregate classification (germline): Uncertain significance (1 of 4 stars; one submission).

Conditions:
Inborn genetic diseases. Identifiers: MedGen C0950123, MeSH D030342.

Allele frequency attached by ClinVar (database versions not stated): TOPMed below 0.00001.

Submission:

Ambry Genetics
Classification: Uncertain significance for Inborn genetic diseases. Last evaluated: 2020-07-06. Review status: criteria provided, single submitter. Criteria: Ambry Variant Classification Scheme 2023. Collection method: clinical testing. Allele origin: germline.
Comment: The p.A1344P variant (also known as c.4030G>C), located in coding exon 24 of the SPG11 gene, results from a G to C substitution at nucleotide position 4030. The alanine at codon 1344 is replaced by proline, an amino acid with highly similar properties. This amino acid position is well conserved in available vertebrate species. In addition, the in silico prediction for this alteration is inconclusive. Since supporting evidence is limited at this time, the clinical significance of this alteration remains unclear.